The following is an entry in ClinVar:

ClinVar aggregate classification (germline): Uncertain significance (1 of 4 stars; one submission).

Submission:

Labcorp Genetics (formerly Invitae), Labcorp
Classification: Uncertain significance. Last evaluated: 2024-05-23. Review status: criteria provided, single submitter. Criteria: Invitae Variant Classification Sherloc (09022015). Collection method: clinical testing. Allele origin: germline.
Comment: This sequence change replaces asparagine, which is neutral and polar, with serine, which is neutral and polar, at codon 989 of the ADGRV1 protein (p.Asn989Ser). This variant is not present in population databases (gnomAD no frequency). This variant has not been reported in the literature in individuals affected with ADGRV1-related conditions. Advanced modeling of protein sequence and biophysical properties (such as structural, functional, and spatial information, amino acid conservation, physicochemical variation, residue mobility, and thermodynamic stability) performed at Invitae indicates that this missense variant is not expected to disrupt ADGRV1 protein function with a negative predictive value of 95%. In summary, the available evidence is currently insufficient to determine the role of this variant in disease. Therefore, it has been classified as a Variant of Uncertain Significance.

NM_032119.4(ADGRV1):c.2966A>G (p.Asn989Ser)

Gene: ADGRV1 (adhesion G protein-coupled receptor V1; plus strand). Cytogenetic location: 5q14.3.
Variant type: single nucleotide variant.
Coding change: c.2966A>G on transcript NM_032119.4 (MANE Select); coding-DNA position 2966, A replaced by G.
Protein change: p.Asn989Ser; replaces asparagine 989 with serine.
Molecular consequence: missense variant. On other transcripts: non-coding transcript variant (1).
Genome position (GRCh38, 1-based): chr5:90,646,035, A>G. VCF-style: chr5-90646035-A-G. GRCh37 (hg19) VCF-style: chr5-89941852-A-G.
Other names: short protein forms N989S.
Identifiers: ClinVar variation 3622057 (VCV003622057.1).